The following is an entry in ClinVar:

NM_004380.3(CREBBP):c.6811C>G (p.Leu2271Val)

Gene: CREBBP (CREB binding lysine acetyltransferase; minus strand). Cytogenetic location: 16p13.3.
Variant type: single nucleotide variant.
Coding change: c.6811C>G on transcript NM_004380.3 (MANE Select); coding-DNA position 6811, C replaced by G.
Protein change: p.Leu2271Val; replaces leucine 2271 with valine.
Molecular consequence: missense variant.
Genome position (GRCh38, 1-based): chr16:3,728,236, G>C on the plus strand (C>G on the coding strand, the complement: CREBBP is on the minus strand). VCF-style: chr16-3728236-G-C. GRCh37 (hg19) VCF-style: chr16-3778237-G-C.
Other names: c.6811C>G (NM_004380.2); c.6697C>G, p.Leu2233Val (NM_001079846.1); short protein forms L2233V, L2271V.
Identifiers: ClinVar variation 3580582 (VCV003580582.2).
Genomic context (GRCh38, chr16:3,728,236, plus strand): 5'-GGGCTTGCTGGATGTTGGGGGTGCTGTCTGCCCCCAGCCCCGGCTGCCCCATCTGGCCAA[G>C]CTGTCCCATCTGAGCCGCCATCTGGCCCATGGAGCTGCCCTGGAGGGGGAGATGCTGCTG-3'
Protein context (NP_004371.2, residues 2261-2281): MGQMAAQMGQ[Leu2271Val]GQMGQPGLGA

ClinVar aggregate classification (germline): Uncertain significance. Review status: criteria provided, multiple submitters, no conflicts (2 of 4 stars). 2 submissions from 2 submitters: Uncertain significance (2). Last evaluated 2024-10-24.

Conditions:
Menke-Hennekam syndrome 1 (MKHK1). Identifiers: MedGen C5193034, MONDO:0020763, OMIM 618332.
Rubinstein-Taybi syndrome due to CREBBP mutations (RSTS1). Also called: RUBINSTEIN-TAYBI SYNDROME 1, INCOMPLETE; BROAD THUMB-HALLUX SYNDROME; RUBINSTEIN SYNDROME; BROAD THUMBS AND GREAT TOES, CHARACTERISTIC FACIES, AND IMPAIRED INTELLECTUAL DEVELOPMENT; Rubinstein-Taybi syndrome 1; CREBBP-Related Rubinstein-Taybi Syndrome. Identifiers: Orphanet 353277, Orphanet 783, MedGen C4551859, MONDO:0008393, OMIM 180849.
CREBBP-related disorder. Also called: CREBBP-related disorders; CREBBP-related condition.

gnomAD v4.1: 6 of 1,613,216 alleles (0.00037%); highest among the groups gnomAD compares: Non-Finnish European, 0.00051%; no homozygotes.

Submissions (2):

PreventionGenetics, part of Exact Sciences
Classification: Uncertain significance for CREBBP-related condition. Last evaluated: 2024-10-24. Review status: criteria provided, single submitter. Criteria: ACMG Guidelines, 2015. Collection method: clinical testing. Allele origin: germline.
Comment: The CREBBP c.6811C>G variant is predicted to result in the amino acid substitution p.Leu2271Val. To our knowledge, this variant has not been reported in the literature or in a large population database (gnomAD), indicating this variant is rare. At this time, the clinical significance of this variant is uncertain due to the absence of conclusive functional and genetic evidence.

Fulgent Genetics
Classification: Uncertain significance for Rubinstein-Taybi syndrome due to CREBBP mutations; Menke-Hennekam syndrome 1. Last evaluated: 2024-02-03. Review status: criteria provided, single submitter. Criteria: ACMG Guidelines, 2015. Collection method: clinical testing. Allele origin: germline.